The following is an entry in ClinVar:

NM_020975.6(RET):c.523C>A (p.Arg175Ser)

Gene: RET (ret proto-oncogene; plus strand). Cytogenetic location: 10q11.21.
Variant type: single nucleotide variant.
Coding change: c.523C>A on transcript NM_020975.6 (MANE Select); coding-DNA position 523, C replaced by A.
Protein change: p.Arg175Ser; replaces arginine 175 with serine.
Molecular consequence: missense variant. On other transcripts: intron variant (15).
Genome position (GRCh38, 1-based): chr10:43,102,527, C>A. VCF-style: chr10-43102527-C-A. GRCh37 (hg19) VCF-style: chr10-43597975-C-A.
Other names: c.337+1805C>A (NM_001406770.1, NM_001406766.1, NM_001406767.1 and 8 more transcripts); c.74-6504C>A (NM_001406784.1); c.74-9572C>A (NM_001406794.1, NM_001406792.1, NM_001406793.1); c.523C>A, p.Arg175Ser (NM_001406743.1, NM_001406744.1, NM_001406759.1 and 14 more transcripts); c.394C>A, p.Arg132Ser (NM_001406761.1, NM_001406762.1, NM_001406764.1 and 4 more transcripts); short protein forms R132S, R175S.
Identifiers: ClinVar variation 4863266 (VCV004863266.1).

ClinVar aggregate classification (germline): Uncertain significance (1 of 4 stars; one submission).

Conditions:
Hereditary cancer-predisposing syndrome. Also called: Neoplastic Syndromes, Hereditary; Tumor predisposition; Hereditary Cancer Syndrome; Hereditary neoplastic syndrome. Identifiers: Orphanet 140162, MedGen C0027672, MeSH D009386, MONDO:0015356.

gnomAD v4.1: 1 of 1,614,226 alleles (0.000062%); highest among the groups gnomAD compares: Non-Finnish European, 0.000085%; no homozygotes.

Submission:

Ambry Genetics
Classification: Uncertain significance for Hereditary cancer-predisposing syndrome. Last evaluated: 2026-04-25. Review status: criteria provided, single submitter. Criteria: Ambry Variant Classification Scheme 2023. Collection method: clinical testing. Allele origin: germline.
Comment: The p.R175S variant (also known as c.523C>A), located in coding exon 3 of the RET gene, results from a C to A substitution at nucleotide position 523. The arginine at codon 175 is replaced by serine, an amino acid with dissimilar properties. This amino acid position is conserved. In addition, this alteration is predicted to be tolerated by in silico analysis. Based on the available evidence, the clinical significance of this variant remains unclear.